The following is an entry in ClinVar:

ClinVar aggregate classification (germline): Uncertain significance (1 of 4 stars; one submission).

Conditions:
Peroxisome biogenesis disorder 2B (PBD2B). Identifiers: Orphanet 44, MedGen C3550234, MONDO:0008736, OMIM 202370.

Submission:

Labcorp Genetics (formerly Invitae), Labcorp
Classification: Uncertain significance for Peroxisome biogenesis disorder 2B. Last evaluated: 2021-11-07. Review status: criteria provided, single submitter. Criteria: Invitae Variant Classification Sherloc (09022015). Collection method: clinical testing. Allele origin: germline.
Comment: This sequence change replaces glutamic acid, which is acidic and polar, with aspartic acid, which is acidic and polar, at codon 282 of the PEX5 protein (p.Glu282Asp). This variant also falls at the last nucleotide of exon 9, which is part of the consensus splice site for this exon. This variant is not present in population databases (gnomAD no frequency). This variant has not been reported in the literature in individuals affected with PEX5-related conditions. Algorithms developed to predict the effect of missense changes on protein structure and function (SIFT, PolyPhen-2, Align-GVGD) all suggest that this variant is likely to be tolerated. Variants that disrupt the consensus splice site are a relatively common cause of aberrant splicing (PMID: 17576681, 9536098). Algorithms developed to predict the effect of sequence changes on RNA splicing suggest that this variant may disrupt the consensus splice site. In summary, the available evidence is currently insufficient to determine the role of this variant in disease. Therefore, it has been classified as a Variant of Uncertain Significance.

Literature cited by the submitters: PubMed 17576681; PubMed 9536098.

NM_001351132.2(PEX5):c.846G>T (p.Glu282Asp)

Gene: PEX5 (peroxisomal biogenesis factor 5; plus strand). Cytogenetic location: 12p13.31.
Variant type: single nucleotide variant.
Coding change: c.846G>T on transcript NM_001351132.2 (MANE Select); coding-DNA position 846, G replaced by T.
Protein change: p.Glu282Asp; replaces glutamic acid 282 with aspartic acid.
Molecular consequence: missense variant.
Genome position (GRCh38, 1-based): chr12:7,202,704, G>T. VCF-style: chr12-7202704-G-T. GRCh37 (hg19) VCF-style: chr12-7355300-G-T.
Other names: c.846G>T, p.Glu282Asp (NM_000319.5, NM_001131025.2, NM_001131026.2 and 6 more transcripts); c.891G>T, p.Glu297Asp (NM_001131023.2); c.735G>T, p.Glu245Asp (NM_001131024.2, NM_001351124.3, NM_001351126.2 and 10 more transcripts); c.780G>T, p.Glu260Asp (NM_001351135.3, NM_001351138.2); short protein forms E282D, E297D, E245D, E260D.
Identifiers: ClinVar variation 1446830 (VCV001446830.6), dbSNP rs2136159660, ClinGen allele CA383724909.